The following is an entry in ClinVar:

NM_000211.5(ITGB2):c.1862C>T (p.Pro621Leu)

Gene: ITGB2 (integrin subunit beta 2; minus strand). Cytogenetic location: 21q22.3.
Variant type: single nucleotide variant.
Coding change: c.1862C>T on transcript NM_000211.5 (MANE Select); coding-DNA position 1862, C replaced by T.
Protein change: p.Pro621Leu; replaces proline 621 with leucine.
Molecular consequence: missense variant.
Genome position (GRCh38, 1-based): chr21:44,889,291, G>A on the plus strand (C>T on the coding strand, the complement: ITGB2 is on the minus strand). VCF-style: chr21-44889291-G-A. GRCh37 (hg19) VCF-style: chr21-46309206-G-A.
Other names: c.1862C>T, p.Pro621Leu (NM_001127491.3); c.1655C>T, p.Pro552Leu (NM_001303238.2); short protein forms P552L, P621L.
Identifiers: ClinVar variation 1499190 (VCV001499190.5), dbSNP rs2083748907, ClinGen allele CA410483806.

ClinVar aggregate classification (germline): Uncertain significance (1 of 4 stars; one submission).

Conditions:
Leukocyte adhesion deficiency 1 (LAD1). Also called: LEUKOCYTE ADHESION DEFICIENCY, TYPE I; LAD 1; Lymphocyte function-associated antigen 1 immunodeficiency; LFA 1 immunodeficiency. Identifiers: Orphanet 2968, Orphanet 99842, MedGen C0398738, MONDO:0007293, OMIM 116920.

Submission:

Labcorp Genetics (formerly Invitae), Labcorp
Classification: Uncertain significance for Leukocyte adhesion deficiency 1. Last evaluated: 2022-07-19. Review status: criteria provided, single submitter. Criteria: Invitae Variant Classification Sherloc (09022015). Collection method: clinical testing. Allele origin: germline.
Comment: This sequence change replaces proline, which is neutral and non-polar, with leucine, which is neutral and non-polar, at codon 621 of the ITGB2 protein (p.Pro621Leu). This variant is not present in population databases (gnomAD no frequency). This variant has not been reported in the literature in individuals affected with ITGB2-related conditions. ClinVar contains an entry for this variant (Variation ID: 1499190). Algorithms developed to predict the effect of missense changes on protein structure and function are either unavailable or do not agree on the potential impact of this missense change (SIFT: "Tolerated"; PolyPhen-2: "Possibly Damaging"; Align-GVGD: "Class C0"). In summary, the available evidence is currently insufficient to determine the role of this variant in disease. Therefore, it has been classified as a Variant of Uncertain Significance.